The following is an entry in ClinVar:

NM_001256789.3(CACNA1F):c.5849G>T (p.Arg1950Leu)

Gene: CACNA1F (calcium voltage-gated channel subunit alpha1 F; minus strand). Cytogenetic location: Xp11.23.
Variant type: single nucleotide variant.
Coding change: c.5849G>T on transcript NM_001256789.3 (MANE Select); coding-DNA position 5849, G replaced by T.
Protein change: p.Arg1950Leu; replaces arginine 1950 with leucine.
Molecular consequence: missense variant.
Genome position (GRCh38, 1-based): chrX:49,205,189, C>A on the plus strand (G>T on the coding strand, the complement: CACNA1F is on the minus strand). VCF-style: chrX-49205189-C-A. GRCh37 (hg19) VCF-style: chrX-49061649-C-A.
Other names: c.5687G>T, p.Arg1896Leu (NM_001256790.3); c.5882G>T, p.Arg1961Leu (NM_005183.4); short protein forms R1950L, R1961L, R1896L.
Identifiers: ClinVar variation 1463654 (VCV001463654.7), dbSNP rs782337448, ClinGen allele CA10409888.
Genomic context (GRCh38, chrX:49,205,189, plus strand): 5'-GTGGGAATTCAGAGGGCGTGGACGCAGGCCATCTCGTCTCCCAAGTCCTCCTCATCGAAG[C>A]GGGAGAGGATGGACTCCTCGTCGCTATAGAGAGAGCTGGTTCCCTGTGCCAGCAGGTCAC-3'
Protein context (NP_001243718.1, residues 1940-1960): LYSDEESILS[Arg1950Leu]FDEEDLGDEM

ClinVar aggregate classification (germline): Uncertain significance. Review status: criteria provided, multiple submitters, no conflicts (2 of 4 stars). 2 submissions from 2 submitters: Uncertain significance (2). Last evaluated 2025-01-26.

Allele frequency attached by ClinVar (database versions not stated): ExAC 0.00002.
gnomAD v4.1: 5 of 1,210,765 alleles (0.00041%); highest among the groups gnomAD compares: Admixed American, 0.011%; no homozygotes.

Submissions (2):

Labcorp Genetics (formerly Invitae), Labcorp
Classification: Uncertain significance. Last evaluated: 2025-01-26. Review status: criteria provided, single submitter. Criteria: Invitae Variant Classification Sherloc (09022015). Collection method: clinical testing. Allele origin: germline.
Comment: This sequence change replaces arginine, which is basic and polar, with leucine, which is neutral and non-polar, at codon 1961 of the CACNA1F protein (p.Arg1961Leu). This variant is present in population databases (rs782337448, gnomAD 0.01%). This variant has not been reported in the literature in individuals affected with CACNA1F-related conditions. ClinVar contains an entry for this variant (Variation ID: 1463654). An algorithm developed to predict the effect of missense changes on protein structure and function (PolyPhen-2) suggests that this variant is likely to be tolerated. In summary, the available evidence is currently insufficient to determine the role of this variant in disease. Therefore, it has been classified as a Variant of Uncertain Significance.

Blueprint Genetics
Classification: Uncertain significance. Last evaluated: 2021-09-20. Review status: criteria provided, single submitter. Criteria: ACMG Guidelines, 2015. Collection method: clinical testing. Allele origin: germline.